The following is an entry in ClinVar:

ClinVar aggregate classification (germline): Pathogenic. Review status: criteria provided, multiple submitters, no conflicts (2 of 4 stars). 2 submissions from 2 submitters: Pathogenic (2). Last evaluated 2026-01-28.

Conditions:
Inborn genetic diseases. Identifiers: MedGen C0950123, MeSH D030342.

Submissions (2):

GeneDx
Classification: Pathogenic. Last evaluated: 2026-01-28. Review status: criteria provided, single submitter. Criteria: GeneDx Variant Classification Process June 2021. Collection method: clinical testing. Allele origin: germline.
Comment: Nonsense variant predicted to result in protein truncation or nonsense mediated decay in a gene for which loss of function is a known mechanism of disease; Not observed at significant frequency in large population cohorts (gnomAD); Has not been previously published as pathogenic or benign to our knowledge

Ambry Genetics
Classification: Pathogenic for Inborn genetic diseases. Last evaluated: 2025-09-16. Review status: criteria provided, single submitter. Criteria: Ambry Variant Classification Scheme 2023. Collection method: clinical testing. Allele origin: germline.
Comment: The c.484C>T (p.R162*) alteration, located in exon 3 (coding exon 3) of the CHD3 gene, consists of a C to T substitution at nucleotide position 484. This changes the amino acid from a arginine (R) to a stop codon at amino acid position 162. This alteration is expected to result in loss of function by premature protein truncation or nonsense-mediated mRNA decay. This variant was not reported in population-based cohorts in the Genome Aggregation Database (gnomAD). Based on the available evidence, this alteration is classified as pathogenic.

NM_001005273.3(CHD3):c.307C>T (p.Arg103Ter)

Gene: CHD3 (chromodomain helicase DNA binding protein 3; plus strand). Cytogenetic location: 17p13.1.
Variant type: single nucleotide variant.
Coding change: c.307C>T on transcript NM_001005273.3 (MANE Select); coding-DNA position 307, C replaced by T.
Protein change: p.Arg103Ter; replaces arginine 103 with a stop codon.
Molecular consequence: nonsense.
Genome position (GRCh38, 1-based): chr17:7,890,664, C>T. VCF-style: chr17-7890664-C-T. GRCh37 (hg19) VCF-style: chr17-7793982-C-T.
Other names: c.484C>T, p.Arg162Ter (NM_001005271.3, NM_001437504.1, NM_001437507.1 and 2 more transcripts); c.307C>T, p.Arg103Ter (NM_005852.4); short protein forms R162*, R103*.
Identifiers: ClinVar variation 4614504 (VCV004614504.2).